The following is an entry in ClinVar:

NM_014786.4(ARHGEF17):c.3252G>A (p.Ser1084=)

Gene: ARHGEF17 (Rho guanine nucleotide exchange factor 17; plus strand). Cytogenetic location: 11q13.4.
Variant type: single nucleotide variant.
Coding change: c.3252G>A on transcript NM_014786.4 (MANE Select); coding-DNA position 3252, G replaced by A.
Protein change: p.Ser1084=; no amino-acid change (serine 1084 retained).
Molecular consequence: synonymous variant.
Genome position (GRCh38, 1-based): chr11:73,346,942, G>A. VCF-style: chr11-73346942-G-A. GRCh37 (hg19) VCF-style: chr11-73057987-G-A.
Identifiers: ClinVar variation 2642139 (VCV002642139.24), dbSNP rs147103857, ClinGen allele CA6177438.
Genomic context (GRCh38, chr11:73,346,942, plus strand): 5'-GGACATGCGGAAGCACGTGGCCATGACCCTGCTGGACACAGAGCAGTCGTATGTGGAGTC[G>A]CTGCGCACCCTGATGCAGGTGGGGCTCGGGGCCCACTCCCCTGAGAATGGCCTTTCTGAG-3'
Protein context (NP_055601.2, residues 1074-1094): LLDTEQSYVE[Ser1084=]LRTLMQGYMQ

ClinVar aggregate classification (germline): Likely benign (1 of 4 stars; one submission).

Allele frequency attached by ClinVar (database versions not stated): gnomAD exomes 0.00007; ExAC 0.00018; 1000 Genomes Project 30x 0.00031; ESP Exome Variant Server 0.00039; 1000 Genomes Project 0.00040; TOPMed 0.00044.

Submission:

CeGaT Center for Human Genetics Tuebingen
Classification: Likely benign. Last evaluated: 2022-08-01. Review status: criteria provided, single submitter. Criteria: CeGaT Center For Human Genetics Tuebingen Variant Classification Criteria Version 2. Collection method: clinical testing. Allele origin: germline. Affected: yes. Observed: 1 variant allele.
Comment: ARHGEF17: BP4, BP7